The following is an entry in ClinVar:

NM_006231.4(POLE):c.6647T>A (p.Leu2216Gln)

Gene: POLE (DNA polymerase epsilon, catalytic subunit; minus strand). Cytogenetic location: 12q24.33.
Variant type: single nucleotide variant.
Coding change: c.6647T>A on transcript NM_006231.4 (MANE Select); coding-DNA position 6647, T replaced by A.
Protein change: p.Leu2216Gln; replaces leucine 2216 with glutamine.
Molecular consequence: missense variant.
Genome position (GRCh38, 1-based): chr12:132,625,655, A>T on the plus strand (T>A on the coding strand, the complement: POLE is on the minus strand). VCF-style: chr12-132625655-A-T. GRCh37 (hg19) VCF-style: chr12-133202241-A-T.
Other names: short protein forms L2216Q.
Identifiers: ClinVar variation 2900273 (VCV002900273.3), dbSNP rs2138427360, ClinGen allele CA387366438.

ClinVar aggregate classification (germline): Uncertain significance (1 of 4 stars; one submission).

Submission:

Labcorp Genetics (formerly Invitae), Labcorp
Classification: Uncertain significance. Last evaluated: 2023-12-01. Review status: criteria provided, single submitter. Criteria: Invitae Variant Classification Sherloc (09022015). Collection method: clinical testing. Allele origin: germline.
Comment: This sequence change replaces leucine, which is neutral and non-polar, with glutamine, which is neutral and polar, at codon 2216 of the POLE protein (p.Leu2216Gln). This variant is not present in population databases (gnomAD no frequency). This variant has not been reported in the literature in individuals affected with POLE-related conditions. Advanced modeling of protein sequence and biophysical properties (such as structural, functional, and spatial information, amino acid conservation, physicochemical variation, residue mobility, and thermodynamic stability) performed at Invitae indicates that this missense variant is not expected to disrupt POLE protein function with a negative predictive value of 80%. In summary, the available evidence is currently insufficient to determine the role of this variant in disease. Therefore, it has been classified as a Variant of Uncertain Significance.